The following is an entry in ClinVar:

ClinVar aggregate classification (germline): Conflicting classifications of pathogenicity. Review status: criteria provided, conflicting classifications (1 of 4 stars). 3 submissions from 3 submitters: Uncertain significance (2); Likely benign (1). Last evaluated 2024-06-02.

Conditions:
Hereditary cancer-predisposing syndrome. Also called: Hereditary Cancer Syndrome; Hereditary neoplastic syndrome; Neoplastic Syndromes, Hereditary; Tumor predisposition. Identifiers: Orphanet 140162, MedGen C0027672, MeSH D009386, MONDO:0015356.
Hereditary breast ovarian cancer syndrome. Also called: Hereditary breast and ovarian cancer syndrome (HBOC); Hereditary breast and ovarian cancer syndrome; Breast and ovarian cancer; Hereditary breast and/or ovarian cancer syndrome; Hereditary breast and ovarian cancer; BRCA1- and BRCA2-Associated Hereditary Breast and Ovarian Cancer. Identifiers: Orphanet 145, MedGen C0677776, MeSH D061325, MONDO:0003582. Disease mechanism: loss of function.

Submissions (3):

Labcorp Genetics (formerly Invitae), Labcorp
Classification: Uncertain significance for Hereditary breast ovarian cancer syndrome. Last evaluated: 2024-06-02. Review status: criteria provided, single submitter. Criteria: Invitae Variant Classification Sherloc (09022015). Collection method: clinical testing. Allele origin: germline.
Comment: This sequence change replaces serine, which is neutral and polar, with cysteine, which is neutral and slightly polar, at codon 1558 of the BRCA2 protein (p.Ser1558Cys). This variant is not present in population databases (gnomAD no frequency). This variant has not been reported in the literature in individuals affected with BRCA2-related conditions. ClinVar contains an entry for this variant (Variation ID: 1742333). Advanced modeling of protein sequence and biophysical properties (such as structural, functional, and spatial information, amino acid conservation, physicochemical variation, residue mobility, and thermodynamic stability) performed at Invitae indicates that this missense variant is not expected to disrupt BRCA2 protein function with a negative predictive value of 95%. In summary, the available evidence is currently insufficient to determine the role of this variant in disease. Therefore, it has been classified as a Variant of Uncertain Significance.

University of Washington Department of Laboratory Medicine, University of Washington
Classification: Likely benign for Hereditary cancer-predisposing syndrome. Last evaluated: 2023-03-23. Review status: criteria provided, single submitter. Criteria: Dines et al. (Genet Med. 2020). Collection method: curation. Allele origin: germline.
Comment: Missense variant in a coldspot region where missense variants are very unlikely to be pathogenic (PMID:31911673).

BRCA2 exon 11 coldspot. Reclassification based on statistical prior probability.

Ambry Genetics
Classification: Uncertain significance for Hereditary cancer-predisposing syndrome. Last evaluated: 2022-01-17. Review status: criteria provided, single submitter. Criteria: Ambry Variant Classification Scheme 2023. Collection method: clinical testing. Allele origin: germline.
Comment: The p.S1558C variant (also known as c.4672A>T), located in coding exon 10 of the BRCA2 gene, results from an A to T substitution at nucleotide position 4672. The serine at codon 1558 is replaced by cysteine, an amino acid with dissimilar properties. This amino acid position is conserved. In addition, this alteration is predicted to be tolerated by in silico analysis. Since supporting evidence is limited at this time, the clinical significance of this alteration remains unclear.

NM_000059.4(BRCA2):c.4672A>T (p.Ser1558Cys)

Gene: BRCA2 (BRCA2 DNA repair associated; plus strand). Cytogenetic location: 13q13.1.
Variant type: single nucleotide variant.
Coding change: c.4672A>T on transcript NM_000059.4 (MANE Select); coding-DNA position 4672, A replaced by T.
Protein change: p.Ser1558Cys; replaces serine 1558 with cysteine.
Molecular consequence: missense variant.
Genome position (GRCh38, 1-based): chr13:32,339,027, A>T. VCF-style: chr13-32339027-A-T. GRCh37 (hg19) VCF-style: chr13-32913164-A-T.
Other names: c.4672A>T, p.Ser1558Cys (NM_001406719.1, NM_001406720.1); short protein forms S1558C.
Identifiers: ClinVar variation 1742333 (VCV001742333.6), dbSNP rs587782822, ClinGen allele CA387782783.